The following is an entry in ClinVar:

ClinVar aggregate classification (germline): Uncertain significance (1 of 4 stars; one submission).

Conditions:
Cornelia de Lange syndrome 5 (CDLS5). Also called: HDAC8-Related Cornelia de Lange Syndrome. Identifiers: Orphanet 199, MedGen C3550903, MONDO:0010471, OMIM 300882.

gnomAD v4.1: 1 of 1,206,038 alleles (0.000083%); highest among the groups gnomAD compares: African/African-American, 0.0018%; no homozygotes.

Submission:

Labcorp Genetics (formerly Invitae), Labcorp
Classification: Uncertain significance for Cornelia de Lange syndrome 5. Last evaluated: 2025-10-12. Review status: criteria provided, single submitter. Criteria: Invitae Variant Classification Sherloc (09022015). Collection method: clinical testing. Allele origin: germline.
Comment: This sequence change replaces alanine, which is neutral and non-polar, with serine, which is neutral and polar, at codon 312 of the HDAC8 protein (p.Ala312Ser). This variant is not present in population databases (gnomAD no frequency). This variant has not been reported in the literature in individuals affected with HDAC8-related conditions. Invitae Evidence Modeling of protein sequence and biophysical properties (such as structural, functional, and spatial information, amino acid conservation, physicochemical variation, residue mobility, and thermodynamic stability) indicates that this missense variant is not expected to disrupt HDAC8 protein function with a negative predictive value of 80%. In summary, the available evidence is currently insufficient to determine the role of this variant in disease. Therefore, it has been classified as a Variant of Uncertain Significance.

NM_018486.3(HDAC8):c.934G>T (p.Ala312Ser)

Gene: HDAC8 (histone deacetylase 8; minus strand). Cytogenetic location: Xq13.1.
Variant type: single nucleotide variant.
Coding change: c.934G>T on transcript NM_018486.3 (MANE Select); coding-DNA position 934, G replaced by T.
Protein change: p.Ala312Ser; replaces alanine 312 with serine.
Molecular consequence: missense variant. On other transcripts: 3 prime UTR variant (1), non-coding transcript variant (5).
Genome position (GRCh38, 1-based): chrX:72,462,075, C>A on the plus strand (G>T on the coding strand, the complement: HDAC8 is on the minus strand). VCF-style: chrX-72462075-C-A. GRCh37 (hg19) VCF-style: chrX-71681925-C-A.
Other names: c.661G>T, p.Ala221Ser (NM_001166418.2, NM_001410728.1); c.934G>T, p.Ala312Ser (NM_001410725.1); c.856G>T, p.Ala286Ser (NM_001410727.1); c.*14G>T (NM_001410729.1); c.634G>T, p.Ala212Ser (NM_001441234.1); short protein forms A286S, A212S, A221S, A312S.
Identifiers: ClinVar variation 4742455 (VCV004742455.1).